The following is an entry in ClinVar:

ClinVar aggregate classification (germline): Conflicting classifications of pathogenicity. Review status: criteria provided, conflicting classifications (1 of 4 stars). 3 submissions from 3 submitters: Uncertain significance (2); Likely benign (1). Last evaluated 2023-02-01.

Conditions:
Xeroderma pigmentosum, group G (XPG). Also called: XERODERMA PIGMENTOSUM VII; XP, GROUP G; Xeroderma pigmentosum type 7; ERCC5-Related Xeroderma Pigmentosum. Identifiers: MedGen C0268141, MONDO:0010216, OMIM 278780.

Allele frequency attached by ClinVar (database versions not stated): gnomAD 0.00002 and 0.00003; TOPMed 0.00004; gnomAD exomes 0.00008.
gnomAD v4.1: 56 of 1,613,998 alleles (0.0035%); highest among the groups gnomAD compares: Admixed American, 0.032%; no homozygotes.

Submissions (3):

GeneDx
Classification: Uncertain significance. Last evaluated: 2023-02-01. Review status: criteria provided, single submitter. Criteria: GeneDx Variant Classification Process June 2021. Collection method: clinical testing. Allele origin: germline. Affected: yes.
Comment: In silico analysis supports that this missense variant does not alter protein structure/function; Has not been previously published as pathogenic or benign to our knowledge

Mendelics
Classification: Likely benign for Xeroderma pigmentosum, group G. Last evaluated: 2019-05-28. Review status: criteria provided, single submitter. Criteria: Mendelics Assertion Criteria 2017. Collection method: clinical testing. Allele origin: unknown.

Illumina Laboratory Services, Illumina
Classification: Uncertain significance for Xeroderma pigmentosum, group G. Last evaluated: 2018-01-12. Review status: criteria provided, single submitter. Criteria: ICSL Variant Classification Criteria 13 December 2019. Collection method: clinical testing. Allele origin: germline.

NM_000123.4(ERCC5):c.3428C>T (p.Ala1143Val)

Genes: BIVM-ERCC5 (BIVM-ERCC5 readthrough; plus strand), ERCC5 (ERCC excision repair 5, endonuclease; plus strand). Cytogenetic location: 13q33.1.
Variant type: single nucleotide variant.
Coding change: c.3428C>T on transcript NM_000123.4 (MANE Select); coding-DNA position 3428, C replaced by T.
Protein change: p.Ala1143Val; replaces alanine 1143 with valine.
Molecular consequence: missense variant.
Genome position (GRCh38, 1-based): chr13:102,875,770, C>T. VCF-style: chr13-102875770-C-T. GRCh37 (hg19) VCF-style: chr13-103528120-C-T.
Other names: c.4790C>T, p.Ala1597Val (NM_001204425.2); short protein forms A1143V, A1597V.
Identifiers: ClinVar variation 310941 (VCV000310941.8), dbSNP rs376411022, ClinGen allele CA7041894.